The following is an entry in ClinVar:

ClinVar aggregate classification (germline): Pathogenic (1 of 4 stars; one submission).

Conditions:
Inborn genetic diseases. Identifiers: MedGen C0950123, MeSH D030342.

Submission:

Ambry Genetics
Classification: Pathogenic for Inborn genetic diseases. Last evaluated: 2018-04-19. Review status: criteria provided, single submitter. Criteria: Ambry Variant Classification Scheme 2023. Collection method: clinical testing. Allele origin: germline.
Comment: The p.E385* pathogenic mutation (also known as c.1153G>T), located in coding exon 9 of the GRN gene, results from a G to T substitution at nucleotide position 1153. This changes the amino acid from a glutamic acid to a stop codon within coding exon 9. This alteration is expected to result in loss of function by premature protein truncation or nonsense-mediated mRNA decay. As such, this alteration is interpreted as a disease-causing mutation.

NM_002087.4(GRN):c.1153G>T (p.Glu385Ter)

Gene: GRN (granulin precursor; plus strand). Cytogenetic location: 17q21.31.
Variant type: single nucleotide variant.
Coding change: c.1153G>T on transcript NM_002087.4 (MANE Select); coding-DNA position 1153, G replaced by T.
Protein change: p.Glu385Ter; replaces glutamic acid 385 with a stop codon.
Molecular consequence: nonsense.
Genome position (GRCh38, 1-based): chr17:44,351,769, G>T. VCF-style: chr17-44351769-G-T. GRCh37 (hg19) VCF-style: chr17-42429137-G-T.
Other names: short protein forms E385*.
Identifiers: ClinVar variation 1734749 (VCV001734749.2), dbSNP rs2510057422, ClinGen allele CA399766469.
Genomic context (GRCh38, chr17:44,351,769, plus strand): 5'-CCCTGTGATAATGTCAGCAGCTGTCCCTCCTCCGATACCTGCTGCCAACTCACGTCTGGG[G>T]AGTGGGGCTGCTGTCCAATCCCAGAGGTATATGGGAGGGGACAGCATCTTGGCCTGGGCA-3'